The following is an entry in ClinVar:

NM_003106.4(SOX2):c.861C>T (p.Ala287=)

Genes: SOX2 (SRY-box transcription factor 2; plus strand), SOX2-OT (SOX2 overlapping transcript; plus strand). Cytogenetic location: 3q26.33.
Variant type: single nucleotide variant.
Coding change: c.861C>T on transcript NM_003106.4 (MANE Select); coding-DNA position 861, C replaced by T.
Protein change: p.Ala287=; no amino-acid change (alanine 287 retained).
Molecular consequence: synonymous variant.
Genome position (GRCh38, 1-based): chr3:181,713,221, C>T. VCF-style: chr3-181713221-C-T. GRCh37 (hg19) VCF-style: chr3-181431009-C-T.
Identifiers: ClinVar variation 732835 (VCV000732835.10), dbSNP rs199971071, ClinGen allele CA2717333.
Genomic context (GRCh38, chr3:181,713,221, plus strand): 5'-CGGGGACCTCCGGGACATGATCAGCATGTATCTCCCCGGCGCCGAGGTGCCGGAACCCGC[C>T]GCCCCCAGCAGACTTCACATGTCCCAGCACTACCAGAGCGGCCCGGTGCCCGGCACGGCC-3'
Protein context (NP_003097.1, residues 277-297): YLPGAEVPEP[Ala287=]APSRLHMSQH

ClinVar aggregate classification (germline): Likely benign. Review status: criteria provided, multiple submitters, no conflicts (2 of 4 stars). 3 submissions from 3 submitters: Likely benign (3). Last evaluated 2026-09-01.

Conditions:
Anophthalmia/microphthalmia-esophageal atresia syndrome (MCOPS3). Also called: MICROPHTHALMIA AND ESOPHAGEAL ATRESIA SYNDROME; AEG SYNDROME; SOX2 Disorder. Identifiers: Orphanet 77298, MedGen C1859773, MONDO:0008799, OMIM 206900.

Allele frequency attached by ClinVar (database versions not stated): TOPMed 0.00014.

Submissions (3):

CeGaT Center for Human Genetics Tuebingen
Classification: Likely benign. Last evaluated: 2026-09-01. Review status: criteria provided, single submitter. Criteria: CeGaT Center For Human Genetics Tuebingen Variant Classification Criteria Version 2. Collection method: clinical testing. Allele origin: germline. Affected: yes. Observed: 1 variant allele.
Comment: SOX2: BP4, BP7

Labcorp Genetics (formerly Invitae), Labcorp
Classification: Likely benign for Anophthalmia/microphthalmia-esophageal atresia syndrome. Last evaluated: 2025-06-17. Review status: criteria provided, single submitter. Criteria: Invitae Variant Classification Sherloc (09022015). Collection method: clinical testing. Allele origin: germline.

Blueprint Genetics
Classification: Likely benign. Last evaluated: 2024-10-18. Review status: criteria provided, single submitter. Criteria: ACMG Guidelines, 2015. Collection method: clinical testing. Allele origin: germline.